The following is an entry in ClinVar:

ClinVar aggregate classification (germline): Benign (1 of 4 stars; one submission).

Conditions:
Juvenile polyposis syndrome (JPS). Identifiers: Orphanet 2929, MedGen C0345893, MONDO:0017380, OMIM 174900.

Submission:

Myriad Genetics, Inc.
Classification: Benign for Juvenile polyposis syndrome. Last evaluated: 2024-08-08. Review status: criteria provided, single submitter. Criteria: Myriad Autosomal Dominant, Autosomal Recessive and X-Linked Classification Criteria (2023). Collection method: clinical testing. Allele origin: unknown.
Comment: This variant is considered benign. This variant is a silent/synonymous amino acid change and it is not expected to impact splicing.

NM_004329.3(BMPR1A):c.1392T>C (p.Asp464=)

Gene: BMPR1A (bone morphogenetic protein receptor type 1A; plus strand). Cytogenetic location: 10q23.2.
Variant type: single nucleotide variant.
Coding change: c.1392T>C on transcript NM_004329.3 (MANE Select); coding-DNA position 1392, T replaced by C.
Protein change: p.Asp464=; no amino-acid change (aspartic acid 464 retained).
Molecular consequence: synonymous variant. On other transcripts: non-coding transcript variant (3).
Genome position (GRCh38, 1-based): chr10:86,923,425, T>C. VCF-style: chr10-86923425-T-C. GRCh37 (hg19) VCF-style: chr10-88683182-T-C.
Other names: c.1308T>C, p.Asp436= (NM_001406587.1, NM_001406588.1, NM_001406584.1 and 2 more transcripts); c.1050T>C, p.Asp350= (NM_001406589.1); c.1467T>C, p.Asp489= (NM_001406559.1); c.1440T>C, p.Asp480= (NM_001406560.1); c.1392T>C, p.Asp464= (NM_001406561.1, NM_001406562.1, NM_001406563.1 and 19 more transcripts); c.1386T>C, p.Asp462= (NM_001406583.1).
Identifiers: ClinVar variation 3378719 (VCV003378719.1).